The following is an entry in ClinVar:

ClinVar aggregate classification (germline): Uncertain significance (1 of 4 stars; one submission).

Conditions:
Polycystic kidney disease 4 (PKD4). Also called: PKD3; POLYCYSTIC KIDNEY AND HEPATIC DISEASE 1; POLYCYSTIC KIDNEY DISEASE, INFANTILE, TYPE I; POLYCYSTIC KIDNEY DISEASE 4 WITH OR WITHOUT POLYCYSTIC LIVER DISEASE; Autosomal Recessive Polycystic Kidney Disease – PKHD1. Identifiers: MedGen C4540575, MONDO:0033004, OMIM 263200.

gnomAD v4.1: 2 of 1,610,856 alleles (0.00012%); highest among the groups gnomAD compares: Non-Finnish European, 0.00017%; no homozygotes.

Submission:

Myriad Genetics, Inc.
Classification: Uncertain significance for Polycystic kidney disease 4. Last evaluated: 2025-12-17. Review status: criteria provided, single submitter. Criteria: Myriad Autosomal Dominant, Autosomal Recessive and X-Linked Classification Criteria (2023). Collection method: clinical testing. Allele origin: unknown.
Comment: NM_138694.3(PKHD1):c.431C>T(P144L) is a missense variant classified as a variant of uncertain significance in the context of autosomal recessive polycystic kidney disease, PKHD1-related. P144L has been observed in a case with relevant disease (PMID: 37372416). Relevant functional assessments of this variant are not available in the literature. P144L has been observed in referenced population frequency databases. In summary, there is insufficient evidence to classify NM_138694.3(PKHD1):c.431C>T(P144L) as pathogenic or benign. Please note: this variant was assessed in the context of healthy population screening.

Literature cited by the submitters: PubMed 37372416.

NM_138694.4(PKHD1):c.431C>T (p.Pro144Leu)

Gene: PKHD1 (PKHD1 ciliary IPT domain containing fibrocystin/polyductin; minus strand). Cytogenetic location: 6p12.2.
Variant type: single nucleotide variant.
Coding change: c.431C>T on transcript NM_138694.4 (MANE Select); coding-DNA position 431, C replaced by T.
Protein change: p.Pro144Leu; replaces proline 144 with leucine.
Molecular consequence: missense variant.
Genome position (GRCh38, 1-based): chr6:52,076,293, G>A on the plus strand (C>T on the coding strand, the complement: PKHD1 is on the minus strand). VCF-style: chr6-52076293-G-A. GRCh37 (hg19) VCF-style: chr6-51941091-G-A.
Other names: c.431C>T, p.Pro144Leu (NM_170724.3); short protein forms P144L.
Identifiers: ClinVar variation 5004330 (VCV005004330.1).